The following is an entry in ClinVar:

ClinVar aggregate classification (germline): Likely pathogenic (1 of 4 stars; one submission).

Conditions:
Dystonia 28, childhood-onset (DYT28). Also called: KMT2B-Related Dystonia (DYT-KMT2B). Identifiers: Orphanet 589618, MedGen C4310633, MONDO:0015004, OMIM 617284.

Submission:

Molecular Genetics Laboratory, Motol Hospital
Classification: Likely pathogenic for Dystonia 28, childhood-onset. Last evaluated: 2024-10-24. Review status: criteria provided, single submitter. Criteria: ACMG Guidelines, 2015. Collection method: clinical testing. Allele origin: germline. Affected: yes. Observed: 1 variant allele.
Comment: Loss-of-function variations (including frameshift) leading to haploinsufficiency were well documented as causative in the pathogenesis of dystonia 28 (OMIM:214800). To conclude, the variant is classified as likely pathogenic (ACMG PVS1, PM2).

Literature cited by the submitters: PubMed 27839873; PubMed 35418819; PubMed 34054706; PubMed 31165786.

NM_014727.3(KMT2B):c.2061_2062del (p.Pro688fs)

Gene: KMT2B (lysine methyltransferase 2B; plus strand). Cytogenetic location: 19q13.12.
Variant type: Microsatellite.
Coding change: c.2061_2062del on transcript NM_014727.3 (MANE Select); coding-DNA positions 2061 to 2062, 2 bases deleted (TC; older notation c.2061_2062delTC).
Protein change: p.Pro688fs; shifts the reading frame from proline 688.
Molecular consequence: frameshift variant.
Genome position (GRCh38, 1-based): chr19:35,721,408-35,721,409, TC deleted; deleting any 2 consecutive bases within chr19:35,721,405-35,721,409 gives the same sequence; the c. name uses the placement nearest the transcript's 3' end. VCF-style (leftmost placement, unchanged base first): chr19-35721404-ACT-A. GRCh37 (hg19) VCF-style: chr19-36212306-ACT-A.
Other names: short protein forms P688fs.
Identifiers: ClinVar variation 3367163 (VCV003367163.2).